The following is an entry in ClinVar:

ClinVar aggregate classification (germline): Uncertain significance. Review status: criteria provided, multiple submitters, no conflicts (2 of 4 stars). 5 submissions from 3 submitters: Uncertain significance (5). Last evaluated 2025-06-24.

Conditions:
Thrombophilia due to thrombin defect (THPH1). Also called: Thrombosis susceptibility; THROMBOPHILIA DUE TO FACTOR 2 DEFECT; Prothrombin-Related Thrombophilia (Factor II); Prothrombin Thrombophilia. Identifiers: MedGen C3160733, MONDO:0008559, OMIM 188050. Disease mechanism: gain of function, loss of function.
Inborn genetic diseases. Identifiers: MedGen C0950123, MeSH D030342.
Budd-Chiari syndrome (BDCHS). Also called: Hepatic vein obstruction. Identifiers: Orphanet 131, MedGen C0856761, MONDO:0010947, OMIM 600880, HP:0002639.
Factor V deficiency. Also called: Reduced coagulation factor V activity. Identifiers: Orphanet 326, MedGen C4317320, MONDO:0020586, HP:0003225.
Congenital factor V deficiency. Also called: Hereditary factor V deficiency disease; LABILE FACTOR DEFICIENCY; PARAHEMOPHILIA; OWREN PARAHEMOPHILIA. Identifiers: Orphanet 326, MedGen C0015499, MONDO:0009210, OMIM 227400.

Allele frequency attached by ClinVar (database versions not stated): gnomAD below 0.00001 and 0.00005; gnomAD exomes 0.00002 and 0.00008; TOPMed 0.00002; ExAC 0.00007; 1000 Genomes Project 30x 0.00078; 1000 Genomes Project 0.00080.
gnomAD v4.1: 58 of 1,614,062 alleles (0.0036%); highest among the groups gnomAD compares: East Asian, 0.049%; no homozygotes.

Submissions (5):

Labcorp Genetics (formerly Invitae), Labcorp
Classification: Uncertain significance for Congenital factor V deficiency. Last evaluated: 2025-06-24. Review status: criteria provided, single submitter. Criteria: Invitae Variant Classification Sherloc (09022015). Collection method: clinical testing. Allele origin: germline.
Comment: This sequence change replaces serine, which is neutral and polar, with tyrosine, which is neutral and polar, at codon 1104 of the F5 protein (p.Ser1104Tyr). This variant is present in population databases (rs188882337, gnomAD 0.06%). This variant has not been reported in the literature in individuals affected with F5-related conditions. ClinVar contains an entry for this variant (Variation ID: 293610). Invitae Evidence Modeling of protein sequence and biophysical properties (such as structural, functional, and spatial information, amino acid conservation, physicochemical variation, residue mobility, and thermodynamic stability) indicates that this missense variant is not expected to disrupt F5 protein function with a negative predictive value of 80%. In summary, the available evidence is currently insufficient to determine the role of this variant in disease. Therefore, it has been classified as a Variant of Uncertain Significance.

Ambry Genetics
Classification: Uncertain significance for Inborn genetic diseases. Last evaluated: 2025-06-18. Review status: criteria provided, single submitter. Criteria: Ambry Variant Classification Scheme 2023. Collection method: clinical testing. Allele origin: germline.

Illumina Laboratory Services, Illumina
Classification: Uncertain significance for Budd-Chiari syndrome. Last evaluated: 2018-01-13. Review status: criteria provided, single submitter. Criteria: ICSL Variant Classification Criteria 13 December 2019. Collection method: clinical testing. Allele origin: germline.

Illumina Laboratory Services, Illumina
Classification: Uncertain significance for Venous thrombosis. Last evaluated: 2018-01-13. Review status: criteria provided, single submitter. Criteria: ICSL Variant Classification Criteria 13 December 2019. Collection method: clinical testing. Allele origin: germline.

Illumina Laboratory Services, Illumina
Classification: Uncertain significance for Congenital factor V deficiency. Last evaluated: 2018-01-13. Review status: criteria provided, single submitter. Criteria: ICSL Variant Classification Criteria 13 December 2019. Collection method: clinical testing. Allele origin: germline.

NM_000130.5(F5):c.3311C>A (p.Ser1104Tyr)

Gene: F5 (coagulation factor V; minus strand). Cytogenetic location: 1q24.2.
Variant type: single nucleotide variant.
Coding change: c.3311C>A on transcript NM_000130.5 (MANE Select); coding-DNA position 3311, C replaced by A.
Protein change: p.Ser1104Tyr; replaces serine 1104 with tyrosine.
Molecular consequence: missense variant.
Genome position (GRCh38, 1-based): chr1:169,541,779, G>T on the plus strand (C>A on the coding strand, the complement: F5 is on the minus strand). VCF-style: chr1-169541779-G-T. GRCh37 (hg19) VCF-style: chr1-169511017-G-T.
Other names: short protein forms S1104Y.
Identifiers: ClinVar variation 293610 (VCV000293610.8), dbSNP rs188882337, ClinGen allele CA1233933.